The following is an entry in ClinVar:

ClinVar aggregate classification (germline): Uncertain significance. Review status: criteria provided, multiple submitters, no conflicts (2 of 4 stars). 3 submissions from 3 submitters: Uncertain significance (2). 1 of the submissions does not count toward it. Last evaluated 2025-04-11.

Conditions:
Aicardi-Goutieres syndrome 7 (AGS7). Identifiers: Orphanet 51, MedGen C3888244, MONDO:0014367, OMIM 615846.
Singleton-Merten syndrome 1 (SGMRT1). Also called: Widened medullary cavities of bone, aortic calcification, abnormal dentition, and muscular weakness; Syndrome of widened medullary cavities of the metacarpals and phalanges, aortic calcification and abnormal dentition. Identifiers: Orphanet 85191, MedGen C4225427, MONDO:0024535, OMIM 182250.
Immunodeficiency 95 (IMD95). Identifiers: MedGen C5676929, MONDO:0030692, OMIM 619773.

Allele frequency attached by ClinVar (database versions not stated): gnomAD exomes below 0.00001.
gnomAD v4.1: 2 of 1,611,274 alleles (0.00012%); highest among the groups gnomAD compares: East Asian, 0.0045%; no homozygotes.

Submissions (3):

Labcorp Genetics (formerly Invitae), Labcorp
Classification: Uncertain significance for Aicardi-Goutieres syndrome 7; Singleton-Merten syndrome 1. Last evaluated: 2025-04-11. Review status: criteria provided, single submitter. Criteria: Invitae Variant Classification Sherloc (09022015). Collection method: clinical testing. Allele origin: germline.
Comment: This sequence change replaces isoleucine, which is neutral and non-polar, with asparagine, which is neutral and polar, at codon 506 of the IFIH1 protein (p.Ile506Asn). This variant is present in population databases (no rsID available, gnomAD 0.006%). This missense change has been observed in individual(s) with neurodevelopmental disorder (PMID: 31178897). ClinVar contains an entry for this variant (Variation ID: 626276). Invitae Evidence Modeling of protein sequence and biophysical properties (such as structural, functional, and spatial information, amino acid conservation, physicochemical variation, residue mobility, and thermodynamic stability) has been performed for this missense variant. However, the output from this modeling did not meet the statistical confidence thresholds required to predict the impact of this variant on IFIH1 protein function. In summary, the available evidence is currently insufficient to determine the role of this variant in disease. Therefore, it has been classified as a Variant of Uncertain Significance.

Juno Genomics, Hangzhou Juno Genomics, Inc
Classification: Uncertain significance for Aicardi-Goutieres syndrome 7; Immunodeficiency 95; Singleton-Merten syndrome 1. Review status: criteria provided, single submitter. Criteria: ACMG Guidelines, 2015. Collection method: clinical testing. Allele origin: germline.
Comment: Absent from controls (or at extremely low frequency if recessive) in Genome Aggregation Database.

Biochemistry Laboratory of CDMU, Chengde Medical University
Classification: Likely pathogenic for Aicardi-Goutieres syndrome 7. Review status: no assertion criteria provided. Criteria: ACMG Guidelines, 2015. Collection method: case-control. Allele origin: inherited. Affected: yes. Not counted in ClinVar's aggregate classification.

Literature cited by the submitters: PubMed 31178897 (cited by Labcorp Genetics (formerly Invitae), Labcorp).

NM_022168.4(IFIH1):c.1517T>A (p.Ile506Asn)

Gene: IFIH1 (interferon induced with helicase C domain 1; minus strand). Cytogenetic location: 2q24.2.
Variant type: single nucleotide variant.
Coding change: c.1517T>A on transcript NM_022168.4 (MANE Select); coding-DNA position 1517, T replaced by A.
Protein change: p.Ile506Asn; replaces isoleucine 506 with asparagine.
Molecular consequence: missense variant.
Genome position (GRCh38, 1-based): chr2:162,281,335, A>T on the plus strand (T>A on the coding strand, the complement: IFIH1 is on the minus strand). VCF-style: chr2-162281335-A-T. GRCh37 (hg19) VCF-style: chr2-163137845-A-T.
Other names: c.1517T>A, p.Ile506Asn (LRG_1235t1); short protein forms I506N.
Identifiers: ClinVar variation 626276 (VCV000626276.8), dbSNP rs1320095792, ClinGen allele CA349001989.